The following is an entry in ClinVar:

ClinVar aggregate classification (germline): Uncertain significance. Review status: criteria provided, multiple submitters, no conflicts (2 of 4 stars). 3 submissions from 3 submitters: Uncertain significance (3). Last evaluated 2025-07-27.

Conditions:
Hereditary cancer-predisposing syndrome. Also called: Tumor predisposition; Hereditary Cancer Syndrome; Neoplastic Syndromes, Hereditary; Hereditary neoplastic syndrome. Identifiers: Orphanet 140162, MedGen C0027672, MeSH D009386, MONDO:0015356.
Familial adenomatous polyposis 1 (FAP1). Also called: POLYPOSIS, ADENOMATOUS INTESTINAL; FAMILIAL ADENOMATOUS POLYPOSIS 1, ATTENUATED. Identifiers: MedGen C2713442, MONDO:0021056, OMIM 175100. Disease mechanism: loss of function.

Submissions (3):

Labcorp Genetics (formerly Invitae), Labcorp
Classification: Uncertain significance for Familial adenomatous polyposis 1. Last evaluated: 2025-07-27. Review status: criteria provided, single submitter. Criteria: Invitae Variant Classification Sherloc (09022015). Collection method: clinical testing. Allele origin: germline.
Comment: This sequence change replaces proline, which is neutral and non-polar, with leucine, which is neutral and non-polar, at codon 2331 of the APC protein (p.Pro2331Leu). This variant is not present in population databases (gnomAD no frequency). This variant has not been reported in the literature in individuals affected with APC-related conditions. ClinVar contains an entry for this variant (Variation ID: 1332385). Invitae Evidence Modeling of protein sequence and biophysical properties (such as structural, functional, and spatial information, amino acid conservation, physicochemical variation, residue mobility, and thermodynamic stability) indicates that this missense variant is not expected to disrupt APC protein function with a negative predictive value of 95%. In summary, the available evidence is currently insufficient to determine the role of this variant in disease. Therefore, it has been classified as a Variant of Uncertain Significance.

Color Diagnostics, LLC DBA Color Health
Classification: Uncertain significance for Hereditary cancer-predisposing syndrome. Last evaluated: 2024-03-06. Review status: criteria provided, single submitter. Criteria: ACMG Guidelines, 2015. Collection method: clinical testing. Allele origin: germline.
Comment: This missense variant replaces proline with leucine at codon 2331 of the APC protein. Computational prediction is inconclusive regarding the impact of this variant on protein structure and function (internally defined REVEL score threshold 0.5 < inconclusive < 0.7, PMID: 27666373). To our knowledge, functional studies have not been reported for this variant. This variant has not been reported in individuals affected with hereditary cancer in the literature. This variant has not been identified in the general population by the Genome Aggregation Database (gnomAD). The available evidence is insufficient to determine the role of this variant in disease conclusively. Therefore, this variant is classified as a Variant of Uncertain Significance.

Ambry Genetics
Classification: Uncertain significance for Hereditary cancer-predisposing syndrome. Last evaluated: 2023-11-29. Review status: criteria provided, single submitter. Criteria: Ambry Variant Classification Scheme 2023. Collection method: clinical testing. Allele origin: germline.
Comment: The p.P2331L variant (also known as c.6992C>T), located in coding exon 15 of the APC gene, results from a C to T substitution at nucleotide position 6992. The proline at codon 2331 is replaced by leucine, an amino acid with similar properties. This amino acid position is conserved. In addition, in silico predictors for this gene do not accurately predict pathogenicity. Since supporting evidence is limited at this time, the clinical significance of this alteration remains unclear.

NM_000038.6(APC):c.6992C>T (p.Pro2331Leu)

Gene: APC (APC regulator of Wnt signaling pathway; plus strand). Cytogenetic location: 5q22.2.
Variant type: single nucleotide variant.
Coding change: c.6992C>T on transcript NM_000038.6 (MANE Select); coding-DNA position 6992, C replaced by T.
Protein change: p.Pro2331Leu; replaces proline 2331 with leucine.
Molecular consequence: missense variant.
Genome position (GRCh38, 1-based): chr5:112,842,586, C>T. VCF-style: chr5-112842586-C-T. GRCh37 (hg19) VCF-style: chr5-112178283-C-T.
Other names: c.6992C>T, p.Pro2331Leu (NM_001127510.3, NM_001354895.2); c.6938C>T, p.Pro2313Leu (NM_001127511.3); c.7046C>T, p.Pro2349Leu (NM_001354896.2); c.7022C>T, p.Pro2341Leu (NM_001354897.2); c.6917C>T, p.Pro2306Leu (NM_001354898.2); c.6908C>T, p.Pro2303Leu (NM_001354899.2); c.6869C>T, p.Pro2290Leu (NM_001354900.2); c.6815C>T, p.Pro2272Leu (NM_001354901.2); and 5 more; short protein forms P2048L, P2171L, P2205L, P2230L, P2240L, P2272L, P2290L, P2303L.
Identifiers: ClinVar variation 1332385 (VCV001332385.5), dbSNP rs2149977789, ClinGen allele CA16036575.